The following is an entry in ClinVar:

ClinVar aggregate classification (germline): Uncertain significance. Review status: no assertion criteria provided (0 of 4 stars). 2 submissions from 2 submitters: Uncertain significance (2). Last evaluated 2024-05-10.

Conditions:
MAGEL2-related disorder. Also called: MAGEL2-related condition.

Submissions (2):

PreventionGenetics, part of Exact Sciences
Classification: Uncertain significance for MAGEL2-related condition. Last evaluated: 2024-05-10. Review status: no assertion criteria provided. Collection method: clinical testing. Allele origin: germline.
Comment: The MAGEL2 c.639_668del30 variant is predicted to result in an in-frame deletion (p.His221_Ala230del). To our knowledge, this variant has not been reported in the literature. This variant is reported in 0.027% of alleles in individuals of South Asian descent in gnomAD. This variant falls within a highly paralogous region. Allele frequency data should be interpreted with caution. This variant could be benign. At this time, the clinical significance of this variant is uncertain due to the absence of conclusive functional and genetic evidence.

Department of Pathology and Laboratory Medicine, Sinai Health System
Classification: Uncertain significance. Review status: no assertion criteria provided. Collection method: clinical testing. Allele origin: unknown. Affected: yes. Study: The Canadian Open Genetics Repository (COGR).
Comment: The MAGEL2 p.His221_Ala230del variant was not identified in the literature nor was it identified in ClinVar or Cosmic. The variant was identified in dbSNP (ID: rs1400019358), LOVD 3.0 (classified as a VUS) and in control databases in 16 of 170198 chromosomes at a frequency of 0.000094 (Genome Aggregation Database Feb 27, 2017). The variant was observed in the following populations: Other in 3 of 5218 chromosomes (freq: 0.000575), South Asian in 6 of 22356 chromosomes (freq: 0.000268), Ashkenazi Jewish in 1 of 8400 chromosomes (freq: 0.000119) and European (non-Finnish) in 6 of 72166 chromosomes (freq: 0.000083), while the variant was not observed in the African, Latino, East Asian, and European (Finnish) populations. This variant is an in-frame deletion resulting in the removal of the residues from codons 221 to 230; the impact of this alteration on MAGEL2 protein function is not known. In summary, based on the above information the clinical significance of this variant cannot be determined with certainty at this time. This variant is classified as a variant of uncertain significance.

NM_019066.5(MAGEL2):c.639_668del (p.181HPPPPGTPMA[4])

Gene: MAGEL2 (MAGE family member L2; minus strand). Cytogenetic location: 15q11.2.
Variant type: Deletion.
Coding change: c.639_668del on transcript NM_019066.5 (MANE Select); coding-DNA positions 639 to 668, 30 bases deleted (ACCTCCGGGGACACCGATGGCTCATCCTCC).
Protein change: p.181HPPPPGTPMA[4].
Molecular consequence: inframe deletion.
Genome position (GRCh38, 1-based): chr15:23,647,075-23,647,104, GGAGGATGAGCCATCGGTGTCCCCGGAGGT deleted on the plus strand (ACCTCCGGGGACACCGATGGCTCATCCTCC on the coding strand, the reverse complement: MAGEL2 is on the minus strand); deleting any 30 consecutive bases within chr15:23,647,075-23,647,133 gives the same sequence; the c. name uses the placement nearest the transcript's 3' end. VCF-style (leftmost placement, unchanged base first): chr15-23647074-GGGAGGATGAGCCATCGGTGTCCCCGGAGGT-G. GRCh37 (hg19) VCF-style: chr15-23892221-GGGAGGATGAGCCATCGGTGTCCCCGGAGGT-G.
Other names: c.639_668del30 (NM_019066.4).
Identifiers: ClinVar variation 1050216 (VCV001050216.3), dbSNP rs1400019358, ClinGen allele CA489229485.